The following is an entry in ClinVar:

NM_000222.3(KIT):c.2390A>C (p.Asn797Thr)

Gene: KIT (KIT proto-oncogene, receptor tyrosine kinase; plus strand). Cytogenetic location: 4q12.
Variant type: single nucleotide variant.
Coding change: c.2390A>C on transcript NM_000222.3 (MANE Select); coding-DNA position 2390, A replaced by C.
Protein change: p.Asn797Thr; replaces asparagine 797 with threonine.
Molecular consequence: missense variant.
Genome position (GRCh38, 1-based): chr4:54,733,098, A>C. VCF-style: chr4-54733098-A-C. GRCh37 (hg19) VCF-style: chr4-55599264-A-C.
Other names: c.2378A>C, p.Asn793Thr (NM_001093772.2, NM_001385292.1); c.2393A>C, p.Asn798Thr (NM_001385284.1); c.2387A>C, p.Asn796Thr (NM_001385285.1); c.2375A>C, p.Asn792Thr (NM_001385286.1); c.2381A>C, p.Asn794Thr (NM_001385288.1); c.2390A>C, p.Asn797Thr (NM_001385290.1); short protein forms N793T, N797T, N794T, N796T, N798T, N792T.
Identifiers: ClinVar variation 2087729 (VCV002087729.4), dbSNP rs2109801201, ClinGen allele CA356911511.

ClinVar aggregate classification (germline): Uncertain significance (1 of 4 stars; one submission).

Conditions:
Gastrointestinal stromal tumor. Also called: Gastrointestinal stroma tumor; Gastrointestinal stromal tumor, somatic. Identifiers: Orphanet 44890, MedGen C0238198, MeSH D046152, MONDO:0011719, OMIM 606764, HP:0100723.

Submission:

Labcorp Genetics (formerly Invitae), Labcorp
Classification: Uncertain significance for Gastrointestinal stromal tumor. Last evaluated: 2022-01-18. Review status: criteria provided, single submitter. Criteria: Invitae Variant Classification Sherloc (09022015). Collection method: clinical testing. Allele origin: germline.
Comment: This variant is not present in population databases (gnomAD no frequency). This variant has not been reported in the literature in individuals affected with KIT-related conditions. Algorithms developed to predict the effect of missense changes on protein structure and function (SIFT, PolyPhen-2, Align-GVGD) all suggest that this variant is likely to be disruptive. This sequence change replaces asparagine, which is neutral and polar, with threonine, which is neutral and polar, at codon 797 of the KIT protein (p.Asn797Thr). In summary, the available evidence is currently insufficient to determine the role of this variant in disease. Therefore, it has been classified as a Variant of Uncertain Significance.